The following is an entry in ClinVar:

NM_003126.4(SPTA1):c.2464G>T (p.Gly822Ter)

Gene: SPTA1 (spectrin alpha, erythrocytic 1; minus strand). Cytogenetic location: 1q23.1.
Variant type: single nucleotide variant.
Coding change: c.2464G>T on transcript NM_003126.4 (MANE Select); coding-DNA position 2464, G replaced by T.
Protein change: p.Gly822Ter; replaces glycine 822 with a stop codon.
Molecular consequence: nonsense.
Genome position (GRCh38, 1-based): chr1:158,662,702, C>A on the plus strand (G>T on the coding strand, the complement: SPTA1 is on the minus strand). VCF-style: chr1-158662702-C-A. GRCh37 (hg19) VCF-style: chr1-158632492-C-A.
Other names: short protein forms G822*.
Identifiers: ClinVar variation 2698766 (VCV002698766.4), dbSNP rs1236696892, ClinGen allele CA343001603.

ClinVar aggregate classification (germline): Pathogenic/Likely pathogenic. Review status: criteria provided, multiple submitters, no conflicts (2 of 4 stars). 2 submissions from 2 submitters: Pathogenic (1); Likely pathogenic (1). Last evaluated 2023-11-24.

Conditions:
SPTA1-related disorder. Also called: SPTA1-related disorders; SPTA1-related condition.

Submissions (2):

Labcorp Genetics (formerly Invitae), Labcorp
Classification: Pathogenic. Last evaluated: 2023-11-24. Review status: criteria provided, single submitter. Criteria: Invitae Variant Classification Sherloc (09022015). Collection method: clinical testing. Allele origin: germline.
Comment: This sequence change creates a premature translational stop signal (p.Gly822*) in the SPTA1 gene. It is expected to result in an absent or disrupted protein product. Loss-of-function variants in SPTA1 are known to be pathogenic (PMID: 9192783, 18815189, 31333484, 31723846, 32266426). This variant is not present in population databases (gnomAD no frequency). This variant has not been reported in the literature in individuals affected with SPTA1-related conditions. Algorithms developed to predict the effect of sequence changes on RNA splicing suggest that this variant may disrupt the consensus splice site. For these reasons, this variant has been classified as Pathogenic.

Blueprint Genetics
Classification: Likely pathogenic for SPTA1-related disorders. Last evaluated: 2022-05-03. Review status: criteria provided, single submitter. Criteria: ACMG Guidelines, 2015. Collection method: clinical testing. Allele origin: germline. Affected: yes. Observed: 3 variant alleles.

Literature cited by the submitters: PubMed 9192783 (cited by Labcorp Genetics (formerly Invitae), Labcorp); PubMed 18815189 (cited by Labcorp Genetics (formerly Invitae), Labcorp); PubMed 31333484 (cited by Labcorp Genetics (formerly Invitae), Labcorp); PubMed 31723846 (cited by Labcorp Genetics (formerly Invitae), Labcorp); PubMed 32266426 (cited by Labcorp Genetics (formerly Invitae), Labcorp).